The following is an entry in ClinVar:

NM_006767.4(LZTR1):c.2324A>C (p.Gln775Pro)

Gene: LZTR1 (leucine zipper like post translational regulator 1; plus strand). Cytogenetic location: 22q11.21.
Variant type: single nucleotide variant.
Coding change: c.2324A>C on transcript NM_006767.4 (MANE Select); coding-DNA position 2324, A replaced by C.
Protein change: p.Gln775Pro; replaces glutamine 775 with proline.
Molecular consequence: missense variant.
Genome position (GRCh38, 1-based): chr22:20,996,800, A>C. VCF-style: chr22-20996800-A-C. GRCh37 (hg19) VCF-style: chr22-21351089-A-C.
Other names: c.2324A>C (NM_006767.3); short protein forms Q775P.
Identifiers: ClinVar variation 1433310 (VCV001433310.10), dbSNP rs2147970413, ClinGen allele CA410780946.

ClinVar aggregate classification (germline): Uncertain significance. Review status: criteria provided, multiple submitters, no conflicts (2 of 4 stars). 3 submissions from 3 submitters: Uncertain significance (3). Last evaluated 2024-11-09.

Conditions:
Hereditary cancer-predisposing syndrome. Also called: Hereditary Cancer Syndrome; Hereditary neoplastic syndrome; Neoplastic Syndromes, Hereditary; Tumor predisposition. Identifiers: Orphanet 140162, MedGen C0027672, MeSH D009386, MONDO:0015356.
Cardiovascular phenotype. Identifiers: MedGen CN230736.

Submissions (3):

Ambry Genetics
Classification: Uncertain significance for Cardiovascular phenotype; Hereditary cancer-predisposing syndrome. Last evaluated: 2024-11-09. Review status: criteria provided, single submitter. Criteria: Ambry Variant Classification Scheme 2023. Collection method: clinical testing. Allele origin: germline.
Comment: The p.Q775P variant (also known as c.2324A>C), located in coding exon 19 of the LZTR1 gene, results from an A to C substitution at nucleotide position 2324. The glutamine at codon 775 is replaced by proline, an amino acid with similar properties. This amino acid position is highly conserved in available vertebrate species. In addition, this alteration is predicted to be deleterious by in silico analysis. Based on the available evidence, the clinical significance of this variant remains unclear.

GeneDx
Classification: Uncertain significance. Last evaluated: 2024-06-17. Review status: criteria provided, single submitter. Criteria: GeneDx Variant Classification Process June 2021. Collection method: clinical testing. Allele origin: germline. Affected: yes.
Comment: Not observed at significant frequency in large population cohorts (gnomAD); In silico analysis supports a deleterious effect on splicing; In silico analysis supports that this missense variant has a deleterious effect on protein structure/function; Has not been previously published as pathogenic or benign to our knowledge

Labcorp Genetics (formerly Invitae), Labcorp
Classification: Uncertain significance. Last evaluated: 2021-05-13. Review status: criteria provided, single submitter. Criteria: Invitae Variant Classification Sherloc (09022015). Collection method: clinical testing. Allele origin: germline.
Comment: In summary, the available evidence is currently insufficient to determine the role of this variant in disease. Therefore, it has been classified as a Variant of Uncertain Significance. Algorithms developed to predict the effect of sequence changes on RNA splicing suggest that this variant may disrupt the consensus splice site, but this prediction has not been confirmed by published transcriptional studies. Algorithms developed to predict the effect of missense changes on protein structure and function are either unavailable or do not agree on the potential impact of this missense change (SIFT: "Deleterious"; PolyPhen-2: "Benign"; Align-GVGD: "Class C65"). This variant has not been reported in the literature in individuals with LZTR1-related conditions. This variant is not present in population databases (ExAC no frequency). This sequence change replaces glutamine with proline at codon 775 of the LZTR1 protein (p.Gln775Pro). The glutamine residue is highly conserved and there is a moderate physicochemical difference between glutamine and proline.